The following is an entry in ClinVar:

NM_000391.4(TPP1):c.471C>A (p.Tyr157Ter)

Gene: TPP1 (tripeptidyl peptidase 1; minus strand). Cytogenetic location: 11p15.4.
Variant type: single nucleotide variant.
Coding change: c.471C>A on transcript NM_000391.4 (MANE Select); coding-DNA position 471, C replaced by A.
Protein change: p.Tyr157Ter; replaces tyrosine 157 with a stop codon.
Molecular consequence: nonsense.
Genome position (GRCh38, 1-based): chr11:6,617,338, G>T on the plus strand (C>A on the coding strand, the complement: TPP1 is on the minus strand). VCF-style: chr11-6617338-G-T. GRCh37 (hg19) VCF-style: chr11-6638569-G-T.
Other names: short protein forms Y157*.
Identifiers: ClinVar variation 242357 (VCV000242357.9), dbSNP rs553522118, ClinGen allele CA10583994.

ClinVar aggregate classification (germline): Pathogenic. Review status: criteria provided, multiple submitters, no conflicts (2 of 4 stars). 3 submissions from 3 submitters: Pathogenic (2). 1 of the submissions does not count toward it. Last evaluated 2023-03-07.

Conditions:
Neuronal ceroid lipofuscinosis 2. Also called: TPP1-Related Neuronal Ceroid-Lipofuscinosis; JANSKY-BIELSCHOWSKY DISEASE NEURONAL CEROID LIPOFUSCINOSIS, LATE INFANTILE. Identifiers: Orphanet 168491, Orphanet 228349, Orphanet 79264, MedGen C1876161, MONDO:0008769, OMIM 204500.

Submissions (3):

Labcorp Genetics (formerly Invitae), Labcorp
Classification: Pathogenic. Last evaluated: 2023-03-07. Review status: criteria provided, single submitter. Criteria: Invitae Variant Classification Sherloc (09022015). Collection method: clinical testing. Allele origin: germline.
Comment: For these reasons, this variant has been classified as Pathogenic. ClinVar contains an entry for this variant (Variation ID: 242357). This premature translational stop signal has been observed in individual(s) with neuronal ceroid lipofuscinosis (PMID: 30541466). This variant is not present in population databases (gnomAD no frequency). This sequence change creates a premature translational stop signal (p.Tyr157*) in the TPP1 gene. It is expected to result in an absent or disrupted protein product. Loss-of-function variants in TPP1 are known to be pathogenic (PMID: 10330339).

Revvity Omics, Revvity
Classification: Pathogenic. Last evaluated: 2022-10-11. Review status: criteria provided, single submitter. Criteria: ACMG Guidelines, 2015. Collection method: clinical testing. Allele origin: germline.

Foundation for Research in Genetics and Endocrinology, FRIGE's Institute of Human Genetics
Classification: Likely pathogenic for Neuronal ceroid lipofuscinosis 2. Last evaluated: 2016-01-22. Review status: no assertion criteria provided. Collection method: research. Allele origin: germline. Inheritance: Autosomal recessive inheritance. Affected: yes. Observed: 1 homozygote. Not counted in ClinVar's aggregate classification.
Comment: Variant c.471C>A/p.Y157* (ENST00000299427) found to be pathogenic by online software Mutation Taster, SIFT and Polyphen2

Literature cited by the submitters: PubMed 30541466 (cited by Labcorp Genetics (formerly Invitae), Labcorp); PubMed 10330339 (cited by Labcorp Genetics (formerly Invitae), Labcorp).